The following is an entry in ClinVar:

ClinVar aggregate classification (germline): Uncertain significance (1 of 4 stars; one submission).

Allele frequency attached by ClinVar (database versions not stated): gnomAD 0.00002; ESP Exome Variant Server 0.00008.
gnomAD v4.1: 59 of 1,611,678 alleles (0.0037%); highest among the groups gnomAD compares: Non-Finnish European, 0.0041%; no homozygotes.

Submission:

Labcorp Genetics (formerly Invitae), Labcorp
Classification: Uncertain significance. Last evaluated: 2022-03-29. Review status: criteria provided, single submitter. Criteria: Invitae Variant Classification Sherloc (09022015). Collection method: clinical testing. Allele origin: germline.
Comment: In summary, the available evidence is currently insufficient to determine the role of this variant in disease. Therefore, it has been classified as a Variant of Uncertain Significance. Algorithms developed to predict the effect of sequence changes on RNA splicing suggest that this variant may create or strengthen a splice site. This variant has not been reported in the literature in individuals affected with LIPG-related conditions. This variant is present in population databases (rs368834078, gnomAD 0.006%). This sequence change falls in intron 4 of the LIPG gene. It does not directly change the encoded amino acid sequence of the LIPG protein.

NM_006033.4(LIPG):c.572-10T>C

Gene: LIPG (lipase G, endothelial type; plus strand). Cytogenetic location: 18q21.1.
Variant type: single nucleotide variant.
Coding change: c.572-10T>C on transcript NM_006033.4 (MANE Select); 10 bases into the intron before coding-DNA position 572, T replaced by C.
Molecular consequence: intron variant.
Genome position (GRCh38, 1-based): chr18:49,575,359, T>C. VCF-style: chr18-49575359-T-C. GRCh37 (hg19) VCF-style: chr18-47101729-T-C.
Other names: c.571+5811T>C (NM_001308006.2).
Identifiers: ClinVar variation 1915067 (VCV001915067.5), dbSNP rs368834078, ClinGen allele CA8959162.